The following is an entry in ClinVar:

NM_020911.2(PLXNA4):c.3810G>A (p.Thr1270=)

Gene: PLXNA4 (plexin A4; minus strand). Cytogenetic location: 7q32.3.
Variant type: single nucleotide variant.
Coding change: c.3810G>A on transcript NM_020911.2 (MANE Select); coding-DNA position 3810, G replaced by A.
Protein change: p.Thr1270=; no amino-acid change (threonine 1270 retained).
Molecular consequence: synonymous variant.
Genome position (GRCh38, 1-based): chr7:132,179,751, C>T on the plus strand (G>A on the coding strand, the complement: PLXNA4 is on the minus strand). VCF-style: chr7-132179751-C-T. GRCh37 (hg19) VCF-style: chr7-131864510-C-T.
Other names: c.3810G>A, p.Thr1270= (NM_001393897.1).
Identifiers: ClinVar variation 3357291 (VCV003357291.1).

ClinVar aggregate classification (germline): Likely benign (0 of 4 stars; one submission).

Conditions:
PLXNA4-related disorder. Also called: PLXNA4-related condition.

gnomAD v4.1: 13 of 1,614,170 alleles (0.00081%); highest among the groups gnomAD compares: East Asian, 0.0045%; no homozygotes.

Submission:

PreventionGenetics, part of Exact Sciences
Classification: Likely benign for PLXNA4-related condition. Last evaluated: 2021-07-26. Review status: no assertion criteria provided. Collection method: clinical testing. Allele origin: germline.
Comment: This variant is classified as likely benign based on ACMG/AMP sequence variant interpretation guidelines (Richards et al. 2015 PMID: 25741868, with internal and published modifications).